The following is an entry in ClinVar:

NM_000038.6(APC):c.3134A>C (p.Gln1045Pro)

Gene: APC (APC regulator of WNT signaling pathway; plus strand). Cytogenetic location: 5q22.2.
Variant type: single nucleotide variant.
Coding change: c.3134A>C on transcript NM_000038.6 (MANE Select); coding-DNA position 3134, A replaced by C.
Protein change: p.Gln1045Pro; replaces glutamine 1045 with proline.
Molecular consequence: missense variant. On other transcripts: non-coding transcript variant (2).
Genome position (GRCh38, 1-based): chr5:112,838,728, A>C. VCF-style: chr5-112838728-A-C. GRCh37 (hg19) VCF-style: chr5-112174425-A-C.
Other names: c.3134A>C, p.Gln1045Pro (NM_001127510.3, NM_001354895.2, NM_001407450.1); c.3080A>C, p.Gln1027Pro (NM_001127511.3); c.3188A>C, p.Gln1063Pro (NM_001354896.2, NM_001407447.1, NM_001407448.1 and 1 more transcripts); c.3164A>C, p.Gln1055Pro (NM_001354897.2); c.3059A>C, p.Gln1020Pro (NM_001354898.2); c.3050A>C, p.Gln1017Pro (NM_001354899.2); c.3011A>C, p.Gln1004Pro (NM_001354900.2); c.2957A>C, p.Gln986Pro (NM_001354901.2, NM_001407453.1); and 11 more; short protein forms Q1004P, Q1017P, Q1020P, Q1027P, Q1035P, Q1038P, Q1045P, Q1055P.
Identifiers: ClinVar variation 3386435 (VCV003386435.1).

ClinVar aggregate classification (germline): Uncertain significance (1 of 4 stars; one submission).

Conditions:
Classic or attenuated familial adenomatous polyposis. Identifiers: MedGen CN372698, MONDO:0021057.

Submission:

All of Us Research Program, National Institutes of Health
Classification: Uncertain significance for Classic or attenuated familial adenomatous polyposis. Last evaluated: 2024-04-16. Review status: criteria provided, single submitter. Criteria: ACMG Guidelines, 2015. Collection method: clinical testing. Allele origin: germline. Inheritance: Autosomal dominant inheritance. Observed: 1 variant allele, 1 heterozygote.
Comment: This missense variant replaces glutamine with proline at codon 1045 of the APC protein. Computational prediction suggests that this variant may not impact protein structure and function (internally defined REVEL score threshold <= 0.5, PMID: 27666373). To our knowledge, functional studies have not been reported for this variant. This variant has not been reported in individuals affected with APC-related disorders in the literature. This variant has not been identified in the general population by the Genome Aggregation Database (gnomAD). The available evidence is insufficient to determine the role of this variant in disease conclusively. Therefore, this variant is classified as a Variant of Uncertain Significance.

This study involves interpretation of variants in research participants for the purpose of population health screening. Participant phenotype was not available at the time of variant classification. Additional details can be found in publication PMID: 35346344, PMCID: PMC8962531